The following is an entry in ClinVar:

NM_138477.4(CDAN1):c.2605G>A (p.Val869Met)

Gene: CDAN1 (codanin 1; minus strand). Cytogenetic location: 15q15.2.
Variant type: single nucleotide variant.
Coding change: c.2605G>A on transcript NM_138477.4 (MANE Select); coding-DNA position 2605, G replaced by A.
Protein change: p.Val869Met; replaces valine 869 with methionine.
Molecular consequence: missense variant.
Genome position (GRCh38, 1-based): chr15:42,729,063, C>T on the plus strand (G>A on the coding strand, the complement: CDAN1 is on the minus strand). VCF-style: chr15-42729063-C-T. GRCh37 (hg19) VCF-style: chr15-43021261-C-T.
Other names: short protein forms V869M.
Identifiers: ClinVar variation 888272 (VCV000888272.7), dbSNP rs370895637, ClinGen allele CA7515553.

ClinVar aggregate classification (germline): Conflicting classifications of pathogenicity. Review status: criteria provided, conflicting classifications (1 of 4 stars). 4 submissions from 4 submitters: Likely pathogenic (1); Uncertain significance (3). Last evaluated 2025-05-14.

Conditions:
CDAN1-related disorder. Also called: CDAN1-related condition.
Anemia, congenital dyserythropoietic, type 1a (CDAN1A). Also called: DYSERYTHROPOIETIC ANEMIA, CONGENITAL, TYPE Ia; CDAN1-Related Congenital Dyserythropoietic Anemia. Identifiers: MedGen C5574667, MONDO:0009135, OMIM 224120.
Congenital dyserythropoietic anemia, type I. Also called: Dyserythropoietic anemia, congenital type 1. Identifiers: Orphanet 98869, MedGen C0271933, MONDO:0020337. Disease mechanism: loss of function.

Allele frequency attached by ClinVar (database versions not stated): ExAC 0.00003; TOPMed 0.00004; ESP Exome Variant Server 0.00008.
gnomAD v4.1: 57 of 1,614,092 alleles (0.0035%); highest among the groups gnomAD compares: Middle Eastern, 0.016%; no homozygotes.

Submissions (4):

Labcorp Genetics (formerly Invitae), Labcorp
Classification: Uncertain significance. Last evaluated: 2025-05-14. Review status: criteria provided, single submitter. Criteria: Invitae Variant Classification Sherloc (09022015). Collection method: clinical testing. Allele origin: germline.
Comment: This sequence change replaces valine, which is neutral and non-polar, with methionine, which is neutral and non-polar, at codon 869 of the CDAN1 protein (p.Val869Met). This variant is present in population databases (rs370895637, gnomAD 0.008%). This missense change has been observed in individual(s) with clinical features of CDAN1-related conditions (PMID: 12434312, 31097629). This variant is also known as p.Val867Met. ClinVar contains an entry for this variant (Variation ID: 888272). An algorithm developed to predict the effect of missense changes on protein structure and function (PolyPhen-2) suggests that this variant is likely to be disruptive. In summary, the available evidence is currently insufficient to determine the role of this variant in disease. Therefore, it has been classified as a Variant of Uncertain Significance.

Revvity Omics, Revvity
Classification: Uncertain significance for Anemia, congenital dyserythropoietic, type 1a. Last evaluated: 2024-03-25. Review status: criteria provided, single submitter. Criteria: ACMG Guidelines, 2015. Collection method: clinical testing. Allele origin: germline.

Blueprint Genetics
Classification: Likely pathogenic for CDAN1-related disorders. Last evaluated: 2022-02-16. Review status: criteria provided, single submitter. Criteria: ACMG Guidelines, 2015. Collection method: clinical testing. Allele origin: germline. Affected: yes. Observed: 1 variant allele.

Illumina Laboratory Services, Illumina
Classification: Uncertain significance for Anemia, congenital dyserythropoietic, type 1a. Last evaluated: 2017-04-28. Review status: criteria provided, single submitter. Criteria: ICSL Variant Classification Criteria 13 December 2019. Collection method: clinical testing. Allele origin: germline.
Comment: This variant was observed as part of a predisposition screen in an ostensibly healthy population. A literature search was performed for the gene, cDNA change, and amino acid change (where applicable). Publications were found based on this search. However, the evidence from the literature, in combination with allele frequency data from public databases where available, was not sufficient to rule this variant in or out of causing disease. Therefore, this variant is classified as a variant of unknown significance.

Literature cited by the submitters: PubMed 12434312 (cited by Labcorp Genetics (formerly Invitae), Labcorp and Illumina Laboratory Services, Illumina); PubMed 31097629 (cited by Labcorp Genetics (formerly Invitae), Labcorp); PubMed 23065504 (cited by Illumina Laboratory Services, Illumina).